The following is an entry in ClinVar:

ClinVar aggregate classification (germline): Uncertain significance. Review status: criteria provided, multiple submitters, no conflicts (2 of 4 stars). 2 submissions from 2 submitters: Uncertain significance (2). Last evaluated 2024-04-10.

Conditions:
Marfan syndrome (MFS). Also called: Marfan syndrome type 1; Marfan's syndrome; FBN1-Related Marfan Syndrome; MARFAN SYNDROME, TYPE I; Marfan syndrome, classic. Identifiers: Orphanet 284963, Orphanet 558, MedGen C0024796, MONDO:0007947, OMIM 154700.
Familial thoracic aortic aneurysm and aortic dissection (TAAD). Also called: Thoracic aortic aneurysms and dissections. Identifiers: Orphanet 91387, MedGen C4707243, MONDO:0019625.

Allele frequency attached by ClinVar (database versions not stated): TOPMed below 0.00001; gnomAD exomes 0.00001.
gnomAD v4.1: 11 of 1,614,170 alleles (0.00068%); highest among the groups gnomAD compares: Non-Finnish European, 0.00093%; no homozygotes.

Submissions (2):

Labcorp Genetics (formerly Invitae), Labcorp
Classification: Uncertain significance for Marfan syndrome; Familial thoracic aortic aneurysm and aortic dissection. Last evaluated: 2024-04-10. Review status: criteria provided, single submitter. Criteria: Invitae Variant Classification Sherloc (09022015). Collection method: clinical testing. Allele origin: germline.
Comment: This sequence change replaces glycine, which is neutral and non-polar, with arginine, which is basic and polar, at codon 1356 of the FBN1 protein (p.Gly1356Arg). This variant is not present in population databases (gnomAD no frequency). This missense change has been observed in individual(s) with clinical features of thoracic aortic aneurysm and aortic dissection (Invitae). ClinVar contains an entry for this variant (Variation ID: 1347967). Advanced modeling of protein sequence and biophysical properties (such as structural, functional, and spatial information, amino acid conservation, physicochemical variation, residue mobility, and thermodynamic stability) performed at Invitae indicates that this missense variant is expected to disrupt FBN1 protein function with a positive predictive value of 95%. In summary, the available evidence is currently insufficient to determine the role of this variant in disease. Therefore, it has been classified as a Variant of Uncertain Significance.

All of Us Research Program, National Institutes of Health
Classification: Uncertain significance for Marfan syndrome. Last evaluated: 2023-08-15. Review status: criteria provided, single submitter. Criteria: ACMG Guidelines, 2015. Collection method: clinical testing. Allele origin: germline. Inheritance: Autosomal dominant inheritance. Observed: 1 variant allele, 1 heterozygote.
Comment: This missense variant replaces glycine with arginine at codon 1356 of the FBN1 protein. Computational prediction suggests that this variant may have deleterious impact on protein structure and function (internally defined REVEL score threshold >= 0.7, PMID: 27666373). To our knowledge, functional studies have not been reported for this variant. This variant has not been reported in individuals affected with FBN1-related disorders in the literature. This variant has not been identified in the general population by the Genome Aggregation Database (gnomAD). The available evidence is insufficient to determine the role of this variant in disease conclusively. Therefore, this variant is classified as a Variant of Uncertain Significance.

This study involves interpretation of variants in research participants for the purpose of population health screening. Participant phenotype was not available at the time of variant classification. Additional details can be found in publication PMID: 35346344, PMCID: PMC8962531

NM_000138.5(FBN1):c.4066G>A (p.Gly1356Arg)

Gene: FBN1 (fibrillin 1; minus strand). Cytogenetic location: 15q21.1.
Variant type: single nucleotide variant.
Coding change: c.4066G>A on transcript NM_000138.5 (MANE Select); coding-DNA position 4066, G replaced by A.
Protein change: p.Gly1356Arg; replaces glycine 1356 with arginine.
Molecular consequence: missense variant.
Genome position (GRCh38, 1-based): chr15:48,474,549, C>T on the plus strand (G>A on the coding strand, the complement: FBN1 is on the minus strand). VCF-style: chr15-48474549-C-T. GRCh37 (hg19) VCF-style: chr15-48766746-C-T.
Other names: short protein forms G1356R.
Identifiers: ClinVar variation 1347967 (VCV001347967.7), dbSNP rs867460746, ClinGen allele CA392320446.